The following is an entry in ClinVar:

ClinVar aggregate classification (germline): Likely pathogenic (1 of 4 stars; one submission).

Submission:

ARUP Laboratories, Molecular Genetics and Genomics, ARUP Laboratories
Classification: Likely pathogenic. Last evaluated: 2025-07-01. Review status: criteria provided, single submitter. Criteria: ARUP Molecular Germline Variant Investigation Process 2024. Collection method: clinical testing. Allele origin: germline.
Comment: The SPTB c.2753dup; p.His919ProfsTer85 variant, to our knowledge, is not reported in the medical literature or gene specific databases. This variant is also absent from the Genome Aggregation Database (v2.1.1), indicating it is not a common polymorphism. This variant causes a frameshift by inserting a single nucleotide, so it is predicted to result in a truncated protein or mRNA subject to nonsense-mediated decay. Based on available information, this variant is considered to be likely pathogenic.

NM_001355436.2(SPTB):c.2753dup (p.His919fs)

Gene: SPTB (spectrin beta, erythrocytic; minus strand). Cytogenetic location: 14q23.3.
Variant type: Duplication.
Coding change: c.2753dup on transcript NM_001355436.2 (MANE Select); coding-DNA position 2753, one base duplicated (G; older notation c.2753dupG).
Protein change: p.His919fs; shifts the reading frame from histidine 919.
Molecular consequence: frameshift variant.
Genome position (GRCh38, 1-based): chr14:64,791,770, C duplicated on the plus strand (G on the coding strand, the reverse complement: SPTB is on the minus strand); the first of 2 consecutive C bases (chr14:64,791,770-64,791,771); duplicating either gives the same sequence. VCF-style (leftmost placement, unchanged base first): chr14-64791769-G-GC. GRCh37 (hg19) VCF-style: chr14-65258487-G-GC.
Other names: c.2753dup, p.His919fs (NM_001024858.4, NM_001355437.2); short protein forms H919fs.
Identifiers: ClinVar variation 4685932 (VCV004685932.1).
Genomic context (GRCh38, chr14:64,791,769, plus strand): 5'-CACACCCCACCTGGTGTTCAGATGGTCCTGGTACTGCTTCACCTCCCTGCTGCGTGGGTG[G>GC]CCACTCTCTACCAAGCTGTTGGCAGCGAGGTTCACACCATCAATCTGAGTCATCAAGGTC-3'